The following is an entry in ClinVar:

ClinVar aggregate classification (germline): Uncertain significance (1 of 4 stars; one submission).

Conditions:
Familial meningioma. Also called: Meningioma, familial, susceptibility to. Identifiers: Orphanet 263662, MedGen C3551915, MONDO:0011789, OMIM 607174.

Submission:

Labcorp Genetics (formerly Invitae), Labcorp
Classification: Uncertain significance for Familial meningioma. Last evaluated: 2024-01-12. Review status: criteria provided, single submitter. Criteria: Invitae Variant Classification Sherloc (09022015). Collection method: clinical testing. Allele origin: germline.
Comment: This sequence change replaces proline, which is neutral and non-polar, with leucine, which is neutral and non-polar, at codon 13 of the SMARCE1 protein (p.Pro13Leu). This variant is not present in population databases (gnomAD no frequency). This variant has not been reported in the literature in individuals affected with SMARCE1-related conditions. Advanced modeling of protein sequence and biophysical properties (such as structural, functional, and spatial information, amino acid conservation, physicochemical variation, residue mobility, and thermodynamic stability) performed at Invitae indicates that this missense variant is expected to disrupt SMARCE1 protein function with a positive predictive value of 80%. In summary, the available evidence is currently insufficient to determine the role of this variant in disease. Therefore, it has been classified as a Variant of Uncertain Significance.

NM_003079.5(SMARCE1):c.38C>T (p.Pro13Leu)

Gene: SMARCE1 (SWI/SNF related BAF chromatin remodeling complex subunit E1; minus strand). Cytogenetic location: 17q21.2.
Variant type: single nucleotide variant.
Coding change: c.38C>T on transcript NM_003079.5 (MANE Select); coding-DNA position 38, C replaced by T.
Protein change: p.Pro13Leu; replaces proline 13 with leucine.
Molecular consequence: missense variant.
Genome position (GRCh38, 1-based): chr17:40,645,589, G>A on the plus strand (C>T on the coding strand, the complement: SMARCE1 is on the minus strand). VCF-style: chr17-40645589-G-A. GRCh37 (hg19) VCF-style: chr17-38801841-G-A.
Other names: short protein forms P13L.
Identifiers: ClinVar variation 2709091 (VCV002709091.3), dbSNP rs2508617529, ClinGen allele CA399370934.